The following is an entry in ClinVar:

NM_017780.4(CHD7):c.2801A>C (p.Lys934Thr)

Gene: CHD7 (chromodomain helicase DNA binding protein 7; plus strand). Cytogenetic location: 8q12.2.
Variant type: single nucleotide variant.
Coding change: c.2801A>C on transcript NM_017780.4 (MANE Select); coding-DNA position 2801, A replaced by C.
Protein change: p.Lys934Thr; replaces lysine 934 with threonine.
Molecular consequence: missense variant. On other transcripts: intron variant (1).
Genome position (GRCh38, 1-based): chr8:60,821,893, A>C. VCF-style: chr8-60821893-A-C. GRCh37 (hg19) VCF-style: chr8-61734452-A-C.
Other names: c.1717-40336A>C (NM_001316690.1); c.2801A>C (NM_017780.3); short protein forms K934T.
Identifiers: ClinVar variation 1328874 (VCV001328874.6), dbSNP rs767217637, ClinGen allele CA4759815.

ClinVar aggregate classification (germline): Uncertain significance. Review status: criteria provided, multiple submitters, no conflicts (2 of 4 stars). 4 submissions from 4 submitters: Uncertain significance (4). Last evaluated 2025-08-30.

Conditions:
Hypogonadotropic hypogonadism 5 with or without anosmia (KAL5). Also called: HYPOGONADOTROPIC HYPOGONADISM 5 WITH ANOSMIA; CHD7-Related GnRH Deficiency (Kallmann Syndrome 5); HYPOGONADOTROPHIC HYPOGONADISM 5 WITHOUT ANOSMIA. Identifiers: Orphanet 478, MedGen C3552553, MONDO:0012880, OMIM 612370. Disease mechanism: loss of function.
CHARGE syndrome (CHARGE). Also called: Hittner Hirsch Kreh syndrome; CHARGE ASSOCIATION--COLOBOMA, HEART ANOMALY, CHOANAL ATRESIA, RETARDATION, GENITAL AND EAR ANOMALIES; Coloboma, heart anomaly, choanal atresia, retardation, genital and ear anomalies; CHARGE association; Hall-Hittner syndrome. Identifiers: Orphanet 138, MedGen C0265354, MONDO:0008965.
Inborn genetic diseases. Identifiers: MedGen C0950123, MeSH D030342.

Allele frequency attached by ClinVar (database versions not stated): gnomAD exomes below 0.00001; ExAC 0.00001.
gnomAD v4.1: 1 of 1,612,240 alleles (0.000062%); highest among the groups gnomAD compares: Middle Eastern, 0.017%; no homozygotes.

Submissions (4):

Ambry Genetics
Classification: Uncertain significance for Inborn genetic diseases. Last evaluated: 2025-08-30. Review status: criteria provided, single submitter. Criteria: Ambry Variant Classification Scheme 2023. Collection method: clinical testing. Allele origin: germline.

Labcorp Genetics (formerly Invitae), Labcorp
Classification: Uncertain significance for CHARGE syndrome. Last evaluated: 2024-05-06. Review status: criteria provided, single submitter. Criteria: Invitae Variant Classification Sherloc (09022015). Collection method: clinical testing. Allele origin: germline.
Comment: This sequence change replaces lysine, which is basic and polar, with threonine, which is neutral and polar, at codon 934 of the CHD7 protein (p.Lys934Thr). This variant is present in population databases (rs767217637, gnomAD 0.0009%). This variant has not been reported in the literature in individuals affected with CHD7-related conditions. ClinVar contains an entry for this variant (Variation ID: 1328874). Advanced modeling of protein sequence and biophysical properties (such as structural, functional, and spatial information, amino acid conservation, physicochemical variation, residue mobility, and thermodynamic stability) has been performed at Invitae for this missense variant, however the output from this modeling did not meet the statistical confidence thresholds required to predict the impact of this variant on CHD7 protein function. In summary, the available evidence is currently insufficient to determine the role of this variant in disease. Therefore, it has been classified as a Variant of Uncertain Significance.

Fulgent Genetics
Classification: Uncertain significance for CHD7-related CHARGE syndrome; Hypogonadotropic hypogonadism 5 with or without anosmia. Last evaluated: 2024-03-11. Review status: criteria provided, single submitter. Criteria: ACMG Guidelines, 2015. Collection method: clinical testing. Allele origin: germline.

GeneDx
Classification: Uncertain significance. Last evaluated: 2021-06-14. Review status: criteria provided, single submitter. Criteria: GeneDx Variant Classification Process June 2021. Collection method: clinical testing. Allele origin: germline. Affected: yes.
Comment: Has not been previously published as pathogenic or benign to our knowledge; Not observed at significant frequency in large population cohorts (Lek et al., 2016); In silico analysis supports that this missense variant does not alter protein structure/function; This variant is associated with the following publications: (PMID: 27535533)